The following is an entry in ClinVar:

NM_006742.3(PSKH1):c.311T>A (p.Ile104Asn)

Gene: PSKH1 (protein serine kinase H1; plus strand). Cytogenetic location: 16q22.1.
Variant type: single nucleotide variant.
Coding change: c.311T>A on transcript NM_006742.3 (MANE Select); coding-DNA position 311, T replaced by A.
Protein change: p.Ile104Asn; replaces isoleucine 104 with asparagine.
Molecular consequence: missense variant.
Genome position (GRCh38, 1-based): chr16:67,909,060, T>A. VCF-style: chr16-67909060-T-A. GRCh37 (hg19) VCF-style: chr16-67942963-T-A.
Other names: short protein forms I104N.
Identifiers: ClinVar variation 4991591 (VCV004991591.1).

ClinVar aggregate classification (germline): Uncertain significance (1 of 4 stars; one submission).

Conditions:
PSKH1-related condition.

Submission:

PreventionGenetics, part of Exact Sciences
Classification: Uncertain significance for PSKH1-related condition. Last evaluated: 2026-03-24. Review status: criteria provided, single submitter. Criteria: ACMG Guidelines, 2015. Collection method: clinical testing. Allele origin: germline.
Comment: The PSKH1 c.311T>A variant is predicted to result in the amino acid substitution p.Ile104Asn. To our knowledge, this variant has not been reported in the literature or in a large population database (gnomAD), indicating this variant is rare. At this time, the clinical significance of this variant is uncertain due to the absence of conclusive functional and genetic evidence.